The following is an entry in ClinVar:

NM_018075.5(ANO10):c.140G>T (p.Gly47Val)

Gene: ANO10 (anoctamin 10; minus strand). Cytogenetic location: 3p21.33.
Variant type: single nucleotide variant.
Coding change: c.140G>T on transcript NM_018075.5 (MANE Select); coding-DNA position 140, G replaced by T.
Protein change: p.Gly47Val; replaces glycine 47 with valine.
Molecular consequence: missense variant. On other transcripts: intron variant (4).
Genome position (GRCh38, 1-based): chr3:43,600,581, C>A on the plus strand (G>T on the coding strand, the complement: ANO10 is on the minus strand). VCF-style: chr3-43600581-C-A. GRCh37 (hg19) VCF-style: chr3-43642073-C-A.
Other names: c.140G>T, p.Gly47Val (NM_001204831.3, NM_001204834.3, NM_001346463.2 and 4 more transcripts); c.140-1915G>T (NM_001346469.2, NM_001204832.3, NM_001346466.2); c.139+5133G>T (NM_001204833.3); short protein forms G47V.
Identifiers: ClinVar variation 1334807 (VCV001334807.4), dbSNP rs2082297211, ClinGen allele CA352346460.

ClinVar aggregate classification (germline): Uncertain significance (1 of 4 stars; one submission).

Submission:

Genetic Services Laboratory, University of Chicago
Classification: Uncertain significance. Last evaluated: 2021-02-07. Review status: criteria provided, single submitter. Criteria: ACMG Guidelines, 2015. Collection method: clinical testing. Allele origin: germline. Affected: no.
Comment: The c.140G>T variant in exon 3 results in an amino acid change, p.Gly47Val. This sequence change does not appear to have been previously described in patients with ANO10-related disorders. It is absent in the gnomAD population database. The p.Gly47Val change affects a highly conserved amino acid residue of the ANO10 protein. The p.Gly47Val substitution appears to be deleterious using several in-silico pathogenicity prediction tools (SIFT, PolyPhen2, Align GVGD, REVEL). Due to the lack of functional studies, the clinical significance of the p.Gly47Val change remains unknown at this time.